The following is an entry in ClinVar:

NC_000011.9:g.(?_93517680)_(93530905_?)del

Gene: MED17 (mediator complex subunit 17; plus strand). Cytogenetic location: 11q21.
Variant type: Deletion.
Identifiers: ClinVar variation 3244756 (VCV003244756.1).

ClinVar aggregate classification (germline): Pathogenic (1 of 4 stars; one submission).

Submission:

Labcorp Genetics (formerly Invitae), Labcorp
Classification: Pathogenic. Last evaluated: 2023-01-08. Review status: criteria provided, single submitter. Criteria: Invitae Variant Classification Sherloc (09022015). Collection method: clinical testing. Allele origin: unknown.
Comment: For these reasons, this variant has been classified as Pathogenic. This variant has not been reported in the literature in individuals affected with MED17-related conditions. This variant is a gross deletion of the genomic region encompassing exon(s) 1-8 of the MED17 gene, which includes the initiator codon. This deletion extends beyond the assayed region for this gene and therefore may encompass additional genes. It is expected to result in an absent or disrupted protein product. Loss-of-function variants in MED17 are known to be pathogenic (PMID: 20950787, 26004231, 30345598).

Literature cited by the submitters: PubMed 20950787; PubMed 26004231; PubMed 30345598.